The following is an entry in ClinVar:

NM_000147.5(FUCA1):c.871C>G (p.His291Asp)

Gene: FUCA1 (alpha-L-fucosidase 1; minus strand). Cytogenetic location: 1p36.11.
Variant type: single nucleotide variant.
Coding change: c.871C>G on transcript NM_000147.5 (MANE Select); coding-DNA position 871, C replaced by G.
Protein change: p.His291Asp; replaces histidine 291 with aspartic acid.
Molecular consequence: missense variant.
Genome position (GRCh38, 1-based): chr1:23,854,458, G>C on the plus strand (C>G on the coding strand, the complement: FUCA1 is on the minus strand). VCF-style: chr1-23854458-G-C. GRCh37 (hg19) VCF-style: chr1-24180948-G-C.
Other names: short protein forms H291D.
Identifiers: ClinVar variation 1505599 (VCV001505599.8), dbSNP rs2148442832, ClinGen allele CA339038487.
Genomic context (GRCh38, chr1:23,854,458, plus strand): 5'-CCATGTCACGACGATAGCCCCAGGAAAACTTGTCAATGCTGGTGCACATCTCCCACTTGT[G>C]ATCTGGCAAGCTCTGTGGCTTGAATTTATCTTCACAGTTATAGTATCCTCCATGGTGACA-3'
Protein context (NP_000138.2, residues 281-301): DKFKPQSLPD[His291Asp]KWEMCTSIDK

ClinVar aggregate classification (germline): Uncertain significance (1 of 4 stars; one submission).

Conditions:
Fucosidosis. Also called: ALPHA-L-FUCOSIDASE DEFICIENCY. Identifiers: Orphanet 349, MedGen C0016788, MONDO:0009254, OMIM 230000.

Submission:

Labcorp Genetics (formerly Invitae), Labcorp
Classification: Uncertain significance for Fucosidosis. Last evaluated: 2022-09-01. Review status: criteria provided, single submitter. Criteria: Invitae Variant Classification Sherloc (09022015). Collection method: clinical testing. Allele origin: germline.
Comment: Algorithms developed to predict the effect of missense changes on protein structure and function are either unavailable or do not agree on the potential impact of this missense change (SIFT: "Deleterious"; PolyPhen-2: "Probably Damaging"; Align-GVGD: "Class C0"). ClinVar contains an entry for this variant (Variation ID: 1505599). This variant has not been reported in the literature in individuals affected with FUCA1-related conditions. This variant is not present in population databases (gnomAD no frequency). This sequence change replaces histidine, which is basic and polar, with aspartic acid, which is acidic and polar, at codon 291 of the FUCA1 protein (p.His291Asp). In summary, the available evidence is currently insufficient to determine the role of this variant in disease. Therefore, it has been classified as a Variant of Uncertain Significance.